The following is an entry in ClinVar:

ClinVar aggregate classification (germline): Uncertain significance (1 of 4 stars; one submission).

Conditions:
Hyperkalemic periodic paralysis. Also called: Familial hyperkalemic periodic paralysis; Gamstorp disease. Identifiers: Orphanet 682, MedGen C0238357, MONDO:0008224, OMIM 170500, HP:0007215.

Allele frequency attached by ClinVar (database versions not stated): gnomAD exomes below 0.00001.
gnomAD v4.1: 6 of 1,613,990 alleles (0.00037%); highest among the groups gnomAD compares: South Asian, 0.0033%; no homozygotes.

Submission:

Labcorp Genetics (formerly Invitae), Labcorp
Classification: Uncertain significance for Hyperkalemic periodic paralysis. Last evaluated: 2025-02-10. Review status: criteria provided, single submitter. Criteria: Invitae Variant Classification Sherloc (09022015). Collection method: clinical testing. Allele origin: germline.
Comment: This sequence change replaces methionine, which is neutral and non-polar, with valine, which is neutral and non-polar, at codon 632 of the SCN4A protein (p.Met632Val). This variant is not present in population databases (gnomAD no frequency). This variant has not been reported in the literature in individuals affected with SCN4A-related conditions. ClinVar contains an entry for this variant (Variation ID: 1516616). Invitae Evidence Modeling of protein sequence and biophysical properties (such as structural, functional, and spatial information, amino acid conservation, physicochemical variation, residue mobility, and thermodynamic stability) indicates that this missense variant is not expected to disrupt SCN4A protein function with a negative predictive value of 95%. In summary, the available evidence is currently insufficient to determine the role of this variant in disease. Therefore, it has been classified as a Variant of Uncertain Significance.

NM_000334.4(SCN4A):c.1894A>G (p.Met632Val)

Gene: SCN4A (sodium voltage-gated channel alpha subunit 4; minus strand). Cytogenetic location: 17q23.3.
Variant type: single nucleotide variant.
Coding change: c.1894A>G on transcript NM_000334.4 (MANE Select); coding-DNA position 1894, A replaced by G.
Protein change: p.Met632Val; replaces methionine 632 with valine.
Molecular consequence: missense variant.
Genome position (GRCh38, 1-based): chr17:63,959,390, T>C on the plus strand (A>G on the coding strand, the complement: SCN4A is on the minus strand). VCF-style: chr17-63959390-T-C. GRCh37 (hg19) VCF-style: chr17-62036750-T-C.
Other names: short protein forms M632V.
Identifiers: ClinVar variation 1516616 (VCV001516616.6), dbSNP rs2144795683, ClinGen allele CA400632495.